The following is an entry in ClinVar:

ClinVar aggregate classification (germline): Uncertain significance (1 of 4 stars; one submission).

Allele frequency attached by ClinVar (database versions not stated): gnomAD exomes below 0.00001; gnomAD 0.00001; TOPMed 0.00001.
gnomAD v4.1: 3 of 1,614,110 alleles (0.00019%); highest among the groups gnomAD compares: Non-Finnish European, 0.00025%; no homozygotes.

Submission:

Labcorp Genetics (formerly Invitae), Labcorp
Classification: Uncertain significance. Last evaluated: 2023-03-13. Review status: criteria provided, single submitter. Criteria: Invitae Variant Classification Sherloc (09022015). Collection method: clinical testing. Allele origin: germline.
Comment: In summary, the available evidence is currently insufficient to determine the role of this variant in disease. Therefore, it has been classified as a Variant of Uncertain Significance. Advanced modeling of protein sequence and biophysical properties (such as structural, functional, and spatial information, amino acid conservation, physicochemical variation, residue mobility, and thermodynamic stability) performed at Invitae indicates that this missense variant is not expected to disrupt PRPF3 protein function. This variant has not been reported in the literature in individuals affected with PRPF3-related conditions. This variant is not present in population databases (gnomAD no frequency). This sequence change replaces valine, which is neutral and non-polar, with leucine, which is neutral and non-polar, at codon 573 of the PRPF3 protein (p.Val573Leu).

NM_004698.4(PRPF3):c.1717G>T (p.Val573Leu)

Gene: PRPF3 (pre-mRNA processing factor 3; plus strand). Cytogenetic location: 1q21.2.
Variant type: single nucleotide variant.
Coding change: c.1717G>T on transcript NM_004698.4 (MANE Select); coding-DNA position 1717, G replaced by T.
Protein change: p.Val573Leu; replaces valine 573 with leucine.
Molecular consequence: missense variant. On other transcripts: non-coding transcript variant (4).
Genome position (GRCh38, 1-based): chr1:150,346,094, G>T. VCF-style: chr1-150346094-G-T. GRCh37 (hg19) VCF-style: chr1-150318570-G-T.
Other names: c.1312G>T, p.Val438Leu (NM_001350529.1); short protein forms V573L, V438L.
Identifiers: ClinVar variation 2910590 (VCV002910590.3), dbSNP rs1422473572, ClinGen allele CA342284254.
Genomic context (GRCh38, chr1:150,346,094, plus strand): 5'-AACCCAGCCAAGAAGTTCAAGATTGAAGCCAATGCTGGGCAACTGTACCTGACAGGGGTG[G>T]TGGTACTGCACAAGGATGTCAACGTGGTAGTAGTGGAAGGGGGTGAGTCTGAAAAACTTG-3'
Protein context (NP_004689.1, residues 563-583): NAGQLYLTGV[Val573Leu]VLHKDVNVVV